The following is an entry in ClinVar:

NM_000179.3(MSH6):c.1125G>C (p.Glu375Asp)

Gene: MSH6 (mutS homolog 6; plus strand). Cytogenetic location: 2p16.3.
Variant type: single nucleotide variant.
Coding change: c.1125G>C on transcript NM_000179.3 (MANE Select); coding-DNA position 1125, G replaced by C.
Protein change: p.Glu375Asp; replaces glutamic acid 375 with aspartic acid.
Molecular consequence: missense variant. On other transcripts: non-coding transcript variant (4), intron variant (1).
Genome position (GRCh38, 1-based): chr2:47,799,108, G>C. VCF-style: chr2-47799108-G-C. GRCh37 (hg19) VCF-style: chr2-48026247-G-C.
Other names: c.735G>C, p.Glu245Asp (NM_001281492.2); c.219G>C, p.Glu73Asp (NM_001281493.2, NM_001281494.2, NM_001406811.1 and 6 more transcripts); c.1221G>C, p.Glu407Asp (NM_001406795.1, NM_001406802.1); c.1125G>C, p.Glu375Asp (NM_001406796.1, NM_001406798.1, NM_001406800.1 and 4 more transcripts); c.828G>C, p.Glu276Asp (NM_001406797.1, NM_001406801.1, NM_001406805.1 and 10 more transcripts); c.600G>C, p.Glu200Asp (NM_001406799.1, NM_001406806.1, NM_001406807.1); c.1047G>C, p.Glu349Asp (NM_001406804.1); c.1131G>C, p.Glu377Asp (NM_001406813.1); and 2 more; short protein forms E319D, E349D, E377D, E407D, E200D, E245D, E375D, E276D.
Identifiers: ClinVar variation 2772212 (VCV002772212.4), dbSNP rs1060504741, ClinGen allele CA346742048.

ClinVar aggregate classification (germline): Uncertain significance. Review status: criteria provided, multiple submitters, no conflicts (2 of 4 stars). 2 submissions from 2 submitters: Uncertain significance (2). Last evaluated 2023-12-18.

Conditions:
Hereditary cancer-predisposing syndrome. Also called: Hereditary neoplastic syndrome; Hereditary Cancer Syndrome; Neoplastic Syndromes, Hereditary; Tumor predisposition. Identifiers: Orphanet 140162, MedGen C0027672, MeSH D009386, MONDO:0015356.
Hereditary nonpolyposis colorectal neoplasms. Identifiers: MedGen C0009405, MeSH D003123.

Submissions (2):

Ambry Genetics
Classification: Uncertain significance for Hereditary cancer-predisposing syndrome. Last evaluated: 2023-12-18. Review status: criteria provided, single submitter. Criteria: Ambry Variant Classification Scheme 2023. Collection method: clinical testing. Allele origin: germline.
Comment: The p.E375D variant (also known as c.1125G>C), located in coding exon 4 of the MSH6 gene, results from a G to C substitution at nucleotide position 1125. The glutamic acid at codon 375 is replaced by aspartic acid, an amino acid with highly similar properties. This amino acid position is not well conserved in available vertebrate species. In addition, this alteration is predicted to be tolerated by in silico analysis. Since supporting evidence is limited at this time, the clinical significance of this alteration remains unclear.

Labcorp Genetics (formerly Invitae), Labcorp
Classification: Uncertain significance for Hereditary nonpolyposis colorectal neoplasms. Last evaluated: 2023-10-28. Review status: criteria provided, single submitter. Criteria: Invitae Variant Classification Sherloc (09022015). Collection method: clinical testing. Allele origin: germline.
Comment: This sequence change replaces glutamic acid, which is acidic and polar, with aspartic acid, which is acidic and polar, at codon 375 of the MSH6 protein (p.Glu375Asp). This variant is not present in population databases (gnomAD no frequency). This variant has not been reported in the literature in individuals affected with MSH6-related conditions. Advanced modeling of protein sequence and biophysical properties (such as structural, functional, and spatial information, amino acid conservation, physicochemical variation, residue mobility, and thermodynamic stability) performed at Invitae indicates that this missense variant is not expected to disrupt MSH6 protein function with a negative predictive value of 95%. In summary, the available evidence is currently insufficient to determine the role of this variant in disease. Therefore, it has been classified as a Variant of Uncertain Significance.